The following is an entry in ClinVar:

ClinVar aggregate classification (germline): Likely pathogenic (1 of 4 stars; one submission).

Conditions:
Nephrotic syndrome, type 20. Identifiers: MedGen C5193011, MONDO:0026726, OMIM 301028.

Submission:

First Genomix Gene Laboratory, Genetic Diagnostics Department
Classification: Likely pathogenic for Nephrotic syndrome, type 20. Last evaluated: 2025-08-21. Review status: criteria provided, single submitter. Criteria: ACMG Guidelines, 2015. Collection method: clinical testing. Allele origin: germline. Inheritance: X-linked inheritance. Affected: no. Observed: 1 variant allele.

NM_017752.3(TBC1D8B):c.984C>A (p.Cys328Ter)

Gene: TBC1D8B (TBC1 domain family member 8B; plus strand). Cytogenetic location: Xq22.3.
Variant type: single nucleotide variant.
Coding change: c.984C>A on transcript NM_017752.3 (MANE Select); coding-DNA position 984, C replaced by A.
Protein change: p.Cys328Ter; replaces cysteine 328 with a stop codon.
Molecular consequence: nonsense.
Genome position (GRCh38, 1-based): chrX:106,826,186, C>A. VCF-style: chrX-106826186-C-A. GRCh37 (hg19) VCF-style: chrX-106069416-C-A.
Other names: c.984C>A, p.Cys328Ter (NM_001441214.1, NM_198881.2); c.690C>A, p.Cys230Ter (NM_001441215.1); short protein forms C230*, C328*.
Identifiers: ClinVar variation 4850469 (VCV004850469.1).